The following is an entry in ClinVar:

ClinVar aggregate classification (germline): Uncertain significance (1 of 4 stars; one submission).

Conditions:
Periodontitis, aggressive. Identifiers: MedGen C0031106, MONDO:0980757.
Haim-Munk syndrome (HMS). Also called: COCHIN JEWISH DISORDER; KERATOSIS PALMOPLANTARIS WITH PERIODONTOPATHIA AND ONYCHOGRYPOSIS. Identifiers: Orphanet 2342, MedGen C1855627, MONDO:0009491, OMIM 245010.
Papillon-Lefèvre syndrome (PALS). Also called: KERATOSIS PALMOPLANTARIS WITH PERIODONTOPATHIA; Papillon-Lefevre Disease. Identifiers: Orphanet 678, MedGen C0030360, MONDO:0009490, OMIM 245000.

gnomAD v4.1: 3 of 1,581,062 alleles (0.00019%); highest among the groups gnomAD compares: Non-Finnish European, 0.00026%; no homozygotes.

Submission:

Labcorp Genetics (formerly Invitae), Labcorp
Classification: Uncertain significance for Haim-Munk syndrome; Periodontitis, aggressive; Papillon-Lefèvre syndrome. Last evaluated: 2022-03-14. Review status: criteria provided, single submitter. Criteria: Invitae Variant Classification Sherloc (09022015). Collection method: clinical testing. Allele origin: germline.
Comment: This sequence change replaces leucine, which is neutral and non-polar, with phenylalanine, which is neutral and non-polar, at codon 7 of the CTSC protein (p.Leu7Phe). This variant is not present in population databases (gnomAD no frequency). This variant has not been reported in the literature in individuals affected with CTSC-related conditions. Algorithms developed to predict the effect of missense changes on protein structure and function are either unavailable or do not agree on the potential impact of this missense change (SIFT: "Not Available"; PolyPhen-2: "Benign"; Align-GVGD: "Not Available"). In summary, the available evidence is currently insufficient to determine the role of this variant in disease. Therefore, it has been classified as a Variant of Uncertain Significance.

NM_001814.6(CTSC):c.21G>C (p.Leu7Phe)

Genes: CTSC (cathepsin C; minus strand), LOC130006572 (ATAC-STARR-seq lymphoblastoid active region 5382; plus strand). Cytogenetic location: 11q14.2.
Variant type: single nucleotide variant.
Coding change: c.21G>C on transcript NM_001814.6 (MANE Select); coding-DNA position 21, G replaced by C.
Protein change: p.Leu7Phe; replaces leucine 7 with phenylalanine.
Molecular consequence: missense variant.
Genome position (GRCh38, 1-based): chr11:88,337,652, C>G on the plus strand (G>C on the coding strand, the complement: CTSC is on the minus strand). VCF-style: chr11-88337652-C-G. GRCh37 (hg19) VCF-style: chr11-88070820-C-G.
Other names: c.21G>C, p.Leu7Phe (NM_001114173.3, NM_148170.5); short protein forms L7F.
Identifiers: ClinVar variation 2112167 (VCV002112167.1), dbSNP rs370256893, ClinGen allele CA6220158.